The following is an entry in ClinVar:

NM_002439.5(MSH3):c.1341-1G>T

Gene: MSH3 (mutS homolog 3; plus strand). Cytogenetic location: 5q14.1.
Variant type: single nucleotide variant.
Coding change: c.1341-1G>T on transcript NM_002439.5 (MANE Select); the canonical splice acceptor site of the intron before coding-DNA position 1341, G replaced by T.
Molecular consequence: splice acceptor variant.
Genome position (GRCh38, 1-based): chr5:80,725,452, G>T. VCF-style: chr5-80725452-G-T. GRCh37 (hg19) VCF-style: chr5-80021271-G-T.
Identifiers: ClinVar variation 648498 (VCV000648498.23), dbSNP rs61754780, ClinGen allele CA3327880.

ClinVar aggregate classification (germline): Conflicting classifications of pathogenicity. Review status: criteria provided, conflicting classifications (1 of 4 stars). 8 submissions from 8 submitters: Likely pathogenic (7); Uncertain significance (1). Last evaluated 2025-10-03.

Conditions:
Familial adenomatous polyposis 4 (FAP4). Also called: MSH3-related attenuated familial adenomatous polyposis. Identifiers: Orphanet 480536, MedGen C4310719, MONDO:0044300, OMIM 617100.
Hereditary cancer-predisposing syndrome. Also called: Neoplastic Syndromes, Hereditary; Tumor predisposition; Hereditary Cancer Syndrome; Hereditary neoplastic syndrome. Identifiers: Orphanet 140162, MedGen C0027672, MeSH D009386, MONDO:0015356.
Endometrial carcinoma. Also called: Endometrial carcinoma, somatic. Identifiers: MedGen C0476089, MONDO:0002447, OMIM 608089, HP:0012114.

Allele frequency attached by ClinVar (database versions not stated): ExAC 0.00002; gnomAD 0.00003 and 0.00004; gnomAD exomes 0.00003 and 0.00005.
gnomAD v4.1: 40 of 1,608,756 alleles (0.0025%); highest among the groups gnomAD compares: South Asian, 0.036%; no homozygotes.

Submissions (8):

Labcorp Genetics (formerly Invitae), Labcorp
Classification: Likely pathogenic. Last evaluated: 2025-10-03. Review status: criteria provided, single submitter. Criteria: Invitae Variant Classification Sherloc (09022015). Collection method: clinical testing. Allele origin: germline.
Comment: This sequence change affects an acceptor splice site in intron 8 of the MSH3 gene. RNA analysis indicates that disruption of this splice site induces altered splicing and may result in an absent or altered protein product. This variant is present in population databases (rs61754780, gnomAD 0.03%). This variant has not been reported in the literature in individuals affected with MSH3-related conditions. ClinVar contains an entry for this variant (Variation ID: 648498). Studies have shown that disruption of this splice site results in activation of a cryptic splice site, and produces a non-functional protein and/or introduces a premature termination codon (internal data). In summary, the currently available evidence indicates that the variant is pathogenic, but additional data are needed to prove that conclusively. Therefore, this variant has been classified as Likely Pathogenic.

Ambry Genetics
Classification: Likely pathogenic for Hereditary cancer-predisposing syndrome. Last evaluated: 2025-05-14. Review status: criteria provided, single submitter. Criteria: Ambry Variant Classification Scheme 2023. Collection method: clinical testing. Allele origin: germline.
Comment: The c.1341-1G>T intronic variant results from a G to T substitution one nucleotide upstream from coding exon 9 of the MSH3 gene. This nucleotide position is highly conserved in available vertebrate species. In silico splice site analysis predicts that this alteration will weaken the native splice acceptor site and will result in the creation or strengthening of a novel splice acceptor site. RNA studies have demonstrated that this alteration results in abnormal splicing in the set of samples tested (Ambry internal data). Alterations that disrupt the canonical splice site are expected to cause aberrant splicing, resulting in an abnormal protein or a transcript that is subject to nonsense-mediated mRNA decay. As such, this alteration is classified as likely pathogenic.

Quest Diagnostics Nichols Institute San Juan Capistrano
Classification: Likely pathogenic. Last evaluated: 2024-06-26. Review status: criteria provided, single submitter. Criteria: Quest Diagnostics criteria. Collection method: clinical testing. Allele origin: unknown.
Comment: The MSH3 c.1341-1G>T variant disrupts a canonical splice-acceptor site and is predicted to interfere with normal MSH3 mRNA splicing. This variant has not been reported in individuals with MSH3-related conditions in the published literature. The frequency of this variant in the general population, 0.00029 (9/30584 chromosomes (Genome Aggregation Database)), is consistent with pathogenicity. A study using paired DNA and RNA patient samples also observed the variant to have a deleterious effect on splicing (PMID: 36563937 (2023)). Based on the available information, this variant is classified as likely pathogenic.

Baylor Genetics
Classification: Likely pathogenic for Endometrial carcinoma. Last evaluated: 2024-01-22. Review status: criteria provided, single submitter. Criteria: ACMG Guidelines, 2015. Collection method: clinical testing. Allele origin: unknown.

Myriad Genetics, Inc.
Classification: Likely pathogenic for Familial adenomatous polyposis 4. Last evaluated: 2023-08-29. Review status: criteria provided, single submitter. Criteria: Myriad Autosomal Dominant, Autosomal Recessive and X-Linked Classification Criteria (2023). Collection method: clinical testing. Allele origin: unknown.
Comment: This variant is considered likely pathogenic. This variant occurs within a consensus splice junction and is predicted to result in abnormal mRNA splicing of either an out-of-frame exon or an in-frame exon necessary for protein stability and/or normal function.

GeneDx
Classification: Uncertain significance. Last evaluated: 2022-04-13. Review status: criteria provided, single submitter. Criteria: GeneDx Variant Classification Process June 2021. Collection method: clinical testing. Allele origin: germline. Affected: yes.
Comment: Observed in the heterozygous state in individuals with retinoblastoma (Francis 2021, Salo-Mullen 2021); Canonical splice site variant predicted to result in a null allele in a gene for which loss of function is a known mechanism of disease; This variant is associated with the following publications: (PMID: 33466343, 34250384, 34308366)

Sema4
Classification: Likely pathogenic for Hereditary cancer-predisposing syndrome. Last evaluated: 2022-03-13. Review status: criteria provided, single submitter. Criteria: Sema4 Curation Guidelines. Collection method: curation. Allele origin: germline.
Comment: The MSH3 c.1341-1G>T has been reported in heterozygosity in at least one individual with retinoblastoma (PMID: 34308366). It was observed in 9/30584 chromosomes in the South Asian population according to the Genome Aggregation Database (PMID: 32461654). This variant has been reported in ClinVar (Variation ID: 648498). This variant affects a nucleotide within a consensus splice site of an intron. This variant may cause exon skipping, intron retention or use of a cryptic splice site. Donor and acceptor splice site variants typically lead to a loss of protein function (PMID: 16199547), and loss-of-function variants in MSH3 are known to be pathogenic (PMID: 27476653). Based on the current evidence available, this variant is interpreted as likely pathogenic.

Department of Pediatrics, Memorial Sloan Kettering Cancer Center
Classification: Likely pathogenic for Familial adenomatous polyposis 4. Last evaluated: 2020-12-15. Review status: criteria provided, single submitter. Criteria: ACMG Guidelines, 2015. Collection method: research. Allele origin: germline. Affected: no.

Literature cited by the submitters: PubMed 34308366 (cited by Quest Diagnostics Nichols Institute San Juan Capistrano and Sema4); PubMed 33466343 (cited by Quest Diagnostics Nichols Institute San Juan Capistrano); PubMed 34250384 (cited by Quest Diagnostics Nichols Institute San Juan Capistrano); PubMed 36563937 (cited by Quest Diagnostics Nichols Institute San Juan Capistrano); PubMed 16199547 (cited by Sema4); PubMed 27476653 (cited by Sema4); PubMed 28873162 (cited by Department of Pediatrics, Memorial Sloan Kettering Cancer Center).